The following is an entry in ClinVar:

NM_014014.5(SNRNP200):c.513G>A (p.Val171=)

Gene: SNRNP200 (small nuclear ribonucleoprotein U5 subunit 200; minus strand). Cytogenetic location: 2q11.2.
Variant type: single nucleotide variant.
Coding change: c.513G>A on transcript NM_014014.5 (MANE Select); coding-DNA position 513, G replaced by A.
Protein change: p.Val171=; no amino-acid change (valine 171 retained).
Molecular consequence: synonymous variant.
Genome position (GRCh38, 1-based): chr2:96,301,585, C>T on the plus strand (G>A on the coding strand, the complement: SNRNP200 is on the minus strand). VCF-style: chr2-96301585-C-T. GRCh37 (hg19) VCF-style: chr2-96967323-C-T.
Identifiers: ClinVar variation 2651145 (VCV002651145.24), dbSNP rs2467357526, ClinGen allele CA427510148.

ClinVar aggregate classification (germline): Likely benign (1 of 4 stars; one submission).

gnomAD v4.1: 1 of 1,614,198 alleles (0.000062%); highest among the groups gnomAD compares: Non-Finnish European, 0.000085%; no homozygotes.

Submission:

CeGaT Center for Human Genetics Tuebingen
Classification: Likely benign. Last evaluated: 2023-08-01. Review status: criteria provided, single submitter. Criteria: CeGaT Center For Human Genetics Tuebingen Variant Classification Criteria Version 2. Collection method: clinical testing. Allele origin: germline. Affected: yes. Observed: 1 variant allele.
Comment: SNRNP200: PM2:Supporting, BP4, BP7